The following is an entry in ClinVar:

ClinVar aggregate classification (germline): Uncertain significance (1 of 4 stars; one submission).

Conditions:
Inborn genetic diseases. Identifiers: MedGen C0950123, MeSH D030342.

Submission:

Ambry Genetics
Classification: Uncertain significance for Inborn genetic diseases. Last evaluated: 2025-12-02. Review status: criteria provided, single submitter. Criteria: Ambry Variant Classification Scheme 2023. Collection method: clinical testing. Allele origin: germline.
Comment: The p.D682H variant (also known as c.2044G>C), located in coding exon 12 of the BMPR2 gene, results from a G to C substitution at nucleotide position 2044. The aspartic acid at codon 682 is replaced by histidine, an amino acid with similar properties. This amino acid position is conserved. In addition, this alteration is predicted to be deleterious by in silico analysis. Based on the available evidence, the clinical significance of this variant remains unclear.

NM_001204.7(BMPR2):c.2044G>C (p.Asp682His)

Gene: BMPR2 (bone morphogenetic protein receptor type 2; plus strand). Cytogenetic location: 2q33.2.
Variant type: single nucleotide variant.
Coding change: c.2044G>C on transcript NM_001204.7 (MANE Select); coding-DNA position 2044, G replaced by C.
Protein change: p.Asp682His; replaces aspartic acid 682 with histidine.
Molecular consequence: missense variant.
Genome position (GRCh38, 1-based): chr2:202,555,709, G>C. VCF-style: chr2-202555709-G-C. GRCh37 (hg19) VCF-style: chr2-203420432-G-C.
Other names: short protein forms D682H.
Identifiers: ClinVar variation 4598018 (VCV004598018.1).
Genomic context (GRCh38, chr2:202,555,709, plus strand): 5'-GACTTGGAAACCAACAAGCTAGACCCAAAAGAAGTTGATAAGAACCTCAAGGAAAGCTCT[G>C]ATGAGAATCTCATGGAGCACTCTCTTAAACAGTTCAGTGGCCCAGACCCACTGAGCAGTA-3'
Protein context (NP_001195.2, residues 672-692): EVDKNLKESS[Asp682His]ENLMEHSLKQ